The following is an entry in ClinVar:

NM_000391.4(TPP1):c.1551+8T>C

Gene: TPP1 (tripeptidyl peptidase 1; minus strand). Cytogenetic location: 11p15.4.
Variant type: single nucleotide variant.
Coding change: c.1551+8T>C on transcript NM_000391.4 (MANE Select); 8 bases into the intron after coding-DNA position 1551, T replaced by C.
Molecular consequence: intron variant.
Genome position (GRCh38, 1-based): chr11:6,614,858, A>G on the plus strand (T>C on the coding strand, the complement: TPP1 is on the minus strand). VCF-style: chr11-6614858-A-G. GRCh37 (hg19) VCF-style: chr11-6636089-A-G.
Other names: p.?.
Identifiers: ClinVar variation 698864 (VCV000698864.13), dbSNP rs757218133, ClinGen allele CA5858619.

ClinVar aggregate classification (germline): Likely benign. Review status: criteria provided, multiple submitters, no conflicts (2 of 4 stars). 3 submissions from 3 submitters: Likely benign (2). 1 of the submissions does not count toward it. Last evaluated 2025-05-12.

Conditions:
TPP1-related disorder. Also called: TPP1-related condition.

Allele frequency attached by ClinVar (database versions not stated): ExAC 0.00002; gnomAD 0.00004 and 0.00003; TOPMed 0.00005; gnomAD exomes 0.00001 and 0.00003.
gnomAD v4.1: 43 of 1,613,904 alleles (0.0027%); highest among the groups gnomAD compares: Non-Finnish European, 0.0036%; no homozygotes.

Submissions (3):

Mayo Clinic Laboratories, Mayo Clinic
Classification: Likely benign. Last evaluated: 2025-05-12. Review status: criteria provided, single submitter. Criteria: ACMG Guidelines, 2015. Collection method: clinical testing. Allele origin: germline. Observed: 1 variant allele.
Comment: BP4, BP7

Labcorp Genetics (formerly Invitae), Labcorp
Classification: Likely benign. Last evaluated: 2025-01-27. Review status: criteria provided, single submitter. Criteria: Invitae Variant Classification Sherloc (09022015). Collection method: clinical testing. Allele origin: germline.

PreventionGenetics, part of Exact Sciences
Classification: Likely benign for TPP1-related condition. Last evaluated: 2020-03-26. Review status: no assertion criteria provided. Collection method: clinical testing. Allele origin: germline. Not counted in ClinVar's aggregate classification.
Comment: This variant is classified as likely benign based on ACMG/AMP sequence variant interpretation guidelines (Richards et al. 2015 PMID: 25741868, with internal and published modifications).